The following is an entry in ClinVar:

ClinVar aggregate classification (germline): Likely pathogenic (1 of 4 stars; one submission).

Conditions:
RNU2-2 related disorder.

Submission:

Institute for Human Genetics, University Hospital Essen
Classification: Likely pathogenic for RNU2-2 related disorder. Last evaluated: 2025-11-27. Review status: criteria provided, single submitter. Criteria: Submitter's publication. Collection method: clinical testing. Allele origin: inherited. Inheritance: Autosomal recessive inheritance. Affected: yes. Observed: 2 variant alleles, 2 compound heterozygotes.
Comment: PS4_mod, PM1_supp, PM2_supp, PM3 (criteria rationale detailed in Leitão et al. Nature Genetics 2026)

NR_199791.1(RNU2-2):n.181G>C

Genes: RNU2-2 (RNA, U2 small nuclear 2; minus strand), WDR74 (WD repeat domain 74; minus strand). Cytogenetic location: 11q12.3.
Variant type: single nucleotide variant.
Molecular consequence: non-coding transcript variant (on NR_199791.1). On other transcripts: 5 prime UTR variant (1).
Genome position: GRCh38 VCF-style: chr11-62841629-C-G. GRCh37 (hg19) VCF-style: chr11-62609101-C-G.
Other names: c.-358G>C (NM_001369451.1).
Identifiers: ClinVar variation 4540545 (VCV004540545.1).
Genomic context (GRCh38, chr11:62,841,629, plus strand): 5'-CCTAACTGATCGAAATCTTCCATTAAACAACGGTTGTTCTCTCCCCGAAGGGAGAGTGCA[C>G]CGTTCCTGGAAGTACTGCAATACCAGGTCGATGCGTGGAGTGGACGGAGCAAGCTCCTAT-3'